The following is an entry in ClinVar:

NM_001849.4(COL6A2):c.955-3_955-1delinsAA

Gene: COL6A2 (collagen type VI alpha 2 chain; plus strand). Cytogenetic location: 21q22.3.
Variant type: Indel.
Coding change: c.955-3_955-1delinsAA on transcript NM_001849.4 (MANE Select); 3 bases into the intron before coding-DNA position 955 through the canonical splice acceptor site of the intron before coding-DNA position 955, CAG replaced by AA.
Molecular consequence: splice acceptor variant.
Genome position (GRCh38, 1-based): chr21:46,116,767-46,116,769, CAG replaced by AA. VCF-style: chr21-46116767-CAG-AA. GRCh37 (hg19) VCF-style: chr21-47536681-CAG-AA.
Other names: c.955-3_955-1delinsAA (NM_058175.3, NM_058174.3).
Identifiers: ClinVar variation 572066 (VCV000572066.6), dbSNP rs1568929639, ClinGen allele CA891843540.

ClinVar aggregate classification (germline): Likely pathogenic (1 of 4 stars; one submission).

Conditions:
Bethlem myopathy 1A. Also called: Bethlem myopathy 1; MYOPATHY, BENIGN CONGENITAL, WITH CONTRACTURES; Bethlem Muscular Dystrophy. Identifiers: Orphanet 610, MedGen CN029274, MONDO:0024530, OMIM 158810.

Submission:

Labcorp Genetics (formerly Invitae), Labcorp
Classification: Likely pathogenic for Bethlem myopathy 1A. Last evaluated: 2018-02-20. Review status: criteria provided, single submitter. Criteria: Invitae Variant Classification Sherloc (09022015). Collection method: clinical testing. Allele origin: germline.
Comment: This variant is not present in population databases (ExAC no frequency). Donor and acceptor splice site variants typically lead to a loss of protein function (PMID: 16199547), and loss-of-function variants in COL6A2 are known to be pathogenic (PMID: 19884007, 20976770). In addition, donor and acceptor splice site variants in COL6A2 that result in in-frame exon skipping have also been reported to cause autosomal dominant COL6A2-related conditions (PMID: 18366090). In summary, the currently available evidence indicates that the variant is pathogenic, but additional data are needed to prove that conclusively. Therefore, this variant has been classified as Likely Pathogenic. This sequence change affects an acceptor splice site in intron 9 of the COL6A2 gene. It is expected to disrupt RNA splicing and likely results in an absent or disrupted protein product.

Literature cited by the submitters: PubMed 16199547; PubMed 19884007; PubMed 20976770; PubMed 18366090.